The following is an entry in ClinVar:

NM_153240.5(NPHP3):c.3118C>T (p.Gln1040Ter)

Genes: NPHP3 (nephrocystin 3; minus strand), NPHP3-ACAD11 (NPHP3-ACAD11 readthrough (NMD candidate); minus strand). Cytogenetic location: 3q22.1.
Variant type: single nucleotide variant.
Coding change: c.3118C>T on transcript NM_153240.5 (MANE Select); coding-DNA position 3118, C replaced by T.
Protein change: p.Gln1040Ter; replaces glutamine 1040 with a stop codon.
Molecular consequence: nonsense. On other transcripts: non-coding transcript variant (1).
Genome position (GRCh38, 1-based): chr3:132,688,657, G>A on the plus strand (C>T on the coding strand, the complement: NPHP3 is on the minus strand). VCF-style: chr3-132688657-G-A. GRCh37 (hg19) VCF-style: chr3-132407501-G-A.
Other names: short protein forms Q1040*.
Identifiers: ClinVar variation 3001017 (VCV003001017.3), dbSNP rs2530394726, ClinGen allele CA354579743.

ClinVar aggregate classification (germline): Pathogenic (1 of 4 stars; one submission).

Conditions:
Nephronophthisis. Also called: Juvenile Nephronophthisis. Identifiers: Orphanet 655, MedGen C0687120, MONDO:0019005, HP:0000090.

Allele frequency attached by ClinVar (database versions not stated): gnomAD exomes below 0.00001.
gnomAD v4.1: 2 of 1,614,022 alleles (0.00012%); highest among the groups gnomAD compares: Non-Finnish European, 0.00017%; no homozygotes.

Submission:

Labcorp Genetics (formerly Invitae), Labcorp
Classification: Pathogenic for Nephronophthisis. Last evaluated: 2023-08-06. Review status: criteria provided, single submitter. Criteria: Invitae Variant Classification Sherloc (09022015). Collection method: clinical testing. Allele origin: germline.
Comment: This sequence change creates a premature translational stop signal (p.Gln1040*) in the NPHP3 gene. It is expected to result in an absent or disrupted protein product. Loss-of-function variants in NPHP3 are known to be pathogenic (PMID: 18371931, 23559409). This variant is not present in population databases (gnomAD no frequency). This variant has not been reported in the literature in individuals affected with NPHP3-related conditions. For these reasons, this variant has been classified as Pathogenic.

Literature cited by the submitters: PubMed 18371931; PubMed 23559409.